The following is an entry in ClinVar:

ClinVar aggregate classification (germline): Uncertain significance (1 of 4 stars; one submission).

Submission:

Labcorp Genetics (formerly Invitae), Labcorp
Classification: Uncertain significance. Last evaluated: 2024-02-17. Review status: criteria provided, single submitter. Criteria: Invitae Variant Classification Sherloc (09022015). Collection method: clinical testing. Allele origin: germline.
Comment: This sequence change falls in intron 16 of the LZTR1 gene. It does not directly change the encoded amino acid sequence of the LZTR1 protein. It affects a nucleotide within the consensus splice site. This variant is not present in population databases (gnomAD no frequency). This variant has not been reported in the literature in individuals affected with LZTR1-related conditions. ClinVar contains an entry for this variant (Variation ID: 1007916). Variants that disrupt the consensus splice site are a relatively common cause of aberrant splicing (PMID: 17576681, 9536098). Algorithms developed to predict the effect of sequence changes on RNA splicing suggest that this variant is not likely to affect RNA splicing. In summary, the available evidence is currently insufficient to determine the role of this variant in disease. Therefore, it has been classified as a Variant of Uncertain Significance.

Literature cited by the submitters: PubMed 17576681; PubMed 9536098.

NM_006767.4(LZTR1):c.1942+4G>C

Gene: LZTR1 (leucine zipper like post translational regulator 1; plus strand). Cytogenetic location: 22q11.21.
Variant type: single nucleotide variant.
Coding change: c.1942+4G>C on transcript NM_006767.4 (MANE Select); 4 bases into the intron after coding-DNA position 1942, G replaced by C.
Molecular consequence: intron variant.
Genome position (GRCh38, 1-based): chr22:20,995,030, G>C. VCF-style: chr22-20995030-G-C. GRCh37 (hg19) VCF-style: chr22-21349319-G-C.
Identifiers: ClinVar variation 1007916 (VCV001007916.6), dbSNP rs1924780535, ClinGen allele CA2396642543.